The following is an entry in ClinVar:

NM_024105.4(ALG12):c.1339A>G (p.Thr447Ala)

Gene: ALG12 (ALG12 alpha-1,6-mannosyltransferase; minus strand). Cytogenetic location: 22q13.33.
Variant type: single nucleotide variant.
Coding change: c.1339A>G on transcript NM_024105.4 (MANE Select); coding-DNA position 1339, A replaced by G.
Protein change: p.Thr447Ala; replaces threonine 447 with alanine.
Molecular consequence: missense variant.
Genome position (GRCh38, 1-based): chr22:49,903,966, T>C on the plus strand (A>G on the coding strand, the complement: ALG12 is on the minus strand). VCF-style: chr22-49903966-T-C. GRCh37 (hg19) VCF-style: chr22-50297614-T-C.
Other names: short protein forms T447A.
Identifiers: ClinVar variation 1428104 (VCV001428104.8), dbSNP rs996114708, ClinGen allele CA325424258.

ClinVar aggregate classification (germline): Uncertain significance (1 of 4 stars; one submission).

Conditions:
ALG12-congenital disorder of glycosylation (CDG1G). Also called: Congenital disorder of glycosylation, type Ig; CDG Ig; ALG12-CDG. Identifiers: Orphanet 79324, MedGen C2931001, MONDO:0011783, OMIM 607143.

Allele frequency attached by ClinVar (database versions not stated): gnomAD exomes below 0.00001; TOPMed below 0.00001; gnomAD 0.00001.
gnomAD v4.1: 8 of 1,614,098 alleles (0.0005%); highest among the groups gnomAD compares: Non-Finnish European, 0.00068%; no homozygotes.

Submission:

Labcorp Genetics (formerly Invitae), Labcorp
Classification: Uncertain significance for ALG12-congenital disorder of glycosylation. Last evaluated: 2021-04-27. Review status: criteria provided, single submitter. Criteria: Invitae Variant Classification Sherloc (09022015). Collection method: clinical testing. Allele origin: germline.
Comment: In summary, the available evidence is currently insufficient to determine the role of this variant in disease. Therefore, it has been classified as a Variant of Uncertain Significance. Algorithms developed to predict the effect of missense changes on protein structure and function are either unavailable or do not agree on the potential impact of this missense change (SIFT: "Tolerated"; PolyPhen-2: "Possibly Damaging"; Align-GVGD: "Class C0"). This variant has not been reported in the literature in individuals with ALG12-related conditions. This variant is not present in population databases (ExAC no frequency). This sequence change replaces threonine with alanine at codon 447 of the ALG12 protein (p.Thr447Ala). The threonine residue is moderately conserved and there is a small physicochemical difference between threonine and alanine.